The following is an entry in ClinVar:

NM_014727.3(KMT2B):c.5619C>T (p.Ser1873=)

Gene: KMT2B (lysine methyltransferase 2B; plus strand). Cytogenetic location: 19q13.12.
Variant type: single nucleotide variant.
Coding change: c.5619C>T on transcript NM_014727.3 (MANE Select); coding-DNA position 5619, C replaced by T.
Protein change: p.Ser1873=; no amino-acid change (serine 1873 retained).
Molecular consequence: synonymous variant.
Genome position (GRCh38, 1-based): chr19:35,732,089, C>T. VCF-style: chr19-35732089-C-T. GRCh37 (hg19) VCF-style: chr19-36222990-C-T.
Identifiers: ClinVar variation 2038109 (VCV002038109.5), dbSNP rs768942555, ClinGen allele CA9385470.

ClinVar aggregate classification (germline): Likely benign. Review status: criteria provided, multiple submitters, no conflicts (2 of 4 stars). 2 submissions from 2 submitters: Likely benign (2). Last evaluated 2026-09-01.

Allele frequency attached by ClinVar (database versions not stated): TOPMed 0.00006; gnomAD 0.00009; gnomAD exomes 0.00009; ExAC 0.00011.
gnomAD v4.1: 140 of 1,607,144 alleles (0.0087%); highest among the groups gnomAD compares: Non-Finnish European, 0.011%; no homozygotes.

Submissions (2):

CeGaT Center for Human Genetics Tuebingen
Classification: Likely benign. Last evaluated: 2026-09-01. Review status: criteria provided, single submitter. Criteria: CeGaT Center For Human Genetics Tuebingen Variant Classification Criteria Version 2. Collection method: clinical testing. Allele origin: germline. Affected: yes. Observed: 1 variant allele.
Comment: KMT2B: BP4, BP7

Labcorp Genetics (formerly Invitae), Labcorp
Classification: Likely benign. Last evaluated: 2025-12-31. Review status: criteria provided, single submitter. Criteria: Invitae Variant Classification Sherloc (09022015). Collection method: clinical testing. Allele origin: germline.